The following is an entry in ClinVar:

NM_006015.6(ARID1A):c.4839_4867del (p.Met1613fs)

Gene: ARID1A (AT-rich interaction domain 1A; plus strand). Cytogenetic location: 1p36.11.
Variant type: Deletion.
Coding change: c.4839_4867del on transcript NM_006015.6 (MANE Select); coding-DNA positions 4839 to 4867, 29 bases deleted (GCAGAAGGCAGGTCCCCCAGTACCTGCCT).
Protein change: p.Met1613fs; shifts the reading frame from methionine 1613.
Molecular consequence: frameshift variant.
Genome position (GRCh38, 1-based): chr1:26,775,066-26,775,094, GCAGAAGGCAGGTCCCCCAGTACCTGCCT deleted; deleting any 29 consecutive bases within chr1:26,775,065-26,775,094 gives the same sequence; the c. name uses the placement nearest the transcript's 3' end. VCF-style (leftmost placement, unchanged base first): chr1-26775064-ATGCAGAAGGCAGGTCCCCCAGTACCTGCC-A. GRCh37 (hg19) VCF-style: chr1-27101555-ATGCAGAAGGCAGGTCCCCCAGTACCTGCC-A.
Other names: c.4188_4216del, p.Met1396fs (NM_139135.4); short protein forms M1396fs, M1613fs.
Identifiers: ClinVar variation 3392476 (VCV003392476.3).

ClinVar aggregate classification (germline): Likely pathogenic (1 of 4 stars; one submission).

Conditions:
Intellectual disability, autosomal dominant 14 (CSS2). Also called: COFFIN-SIRIS SYNDROME 2. Identifiers: Orphanet 1465, MedGen C3553247, MONDO:0013819, OMIM 614607.

Submission:

Juno Genomics, Hangzhou Juno Genomics, Inc
Classification: Likely pathogenic for Intellectual disability, autosomal dominant 14. Review status: criteria provided, single submitter. Criteria: ACMG Guidelines, 2015. Collection method: clinical testing. Allele origin: germline.
Comment: Absent from controls (or at extremely low frequency if recessive) in Genome Aggregation Database.;Null variant in a gene where loss of function (LOF) is a known mechanism of disease.